The following is an entry in ClinVar:

NM_000228.3(LAMB3):c.2625C>T (p.Ser875=)

Gene: LAMB3 (laminin subunit beta 3; minus strand). Cytogenetic location: 1q32.2.
Variant type: single nucleotide variant.
Coding change: c.2625C>T on transcript NM_000228.3 (MANE Select); coding-DNA position 2625, C replaced by T.
Protein change: p.Ser875=; no amino-acid change (serine 875 retained).
Molecular consequence: synonymous variant.
Genome position (GRCh38, 1-based): chr1:209,622,612, G>A on the plus strand (C>T on the coding strand, the complement: LAMB3 is on the minus strand). VCF-style: chr1-209622612-G-A. GRCh37 (hg19) VCF-style: chr1-209795957-G-A.
Other names: c.2625C>T, p.Ser875= (NM_001017402.2, NM_001127641.1).
Identifiers: ClinVar variation 1147908 (VCV001147908.15), dbSNP rs768028663, ClinGen allele CA1375166.
Genomic context (GRCh38, chr1:209,622,612, plus strand): 5'-GACCTGCTGGATTAGGAGCCGTGTGCGTCTGACATCTTCCTCCATCTGGGAGCGGCTGGC[G>A]CTCACCTGGGTCTCCAAGCGCTGGGCACTGGATTGAATCTGTGAGGCAGATTCCTCGGCT-3'
Protein context (NP_000219.2, residues 865-885): SSAQRLETQV[Ser875=]ASRSQMEEDV

ClinVar aggregate classification (germline): Likely benign. Review status: criteria provided, multiple submitters, no conflicts (2 of 4 stars). 2 submissions from 2 submitters: Likely benign (2). Last evaluated 2025-11-01.

Allele frequency attached by ClinVar (database versions not stated): ExAC 0.00001; gnomAD exomes 0.00001 and 0.00002; gnomAD 0.00003; TOPMed 0.00005.

Submissions (2):

CeGaT Center for Human Genetics Tuebingen
Classification: Likely benign. Last evaluated: 2025-11-01. Review status: criteria provided, single submitter. Criteria: CeGaT Center For Human Genetics Tuebingen Variant Classification Criteria Version 2. Collection method: clinical testing. Allele origin: germline. Affected: yes. Observed: 1 variant allele.
Comment: LAMB3: BP4, BP7

Labcorp Genetics (formerly Invitae), Labcorp
Classification: Likely benign. Last evaluated: 2023-12-21. Review status: criteria provided, single submitter. Criteria: Invitae Variant Classification Sherloc (09022015). Collection method: clinical testing. Allele origin: germline.